The following is an entry in ClinVar:

ClinVar aggregate classification (germline): Uncertain significance (1 of 4 stars; one submission).

Submission:

Ambry Genetics
Classification: Uncertain significance. Last evaluated: 2024-06-13. Review status: criteria provided, single submitter. Criteria: Ambry Variant Classification Scheme 2023. Collection method: clinical testing. Allele origin: germline.
Comment: The p.G249D variant (also known as c.746G>A), located in coding exon 1 of the EGLN2 gene, results from a G to A substitution at nucleotide position 746. The glycine at codon 249 is replaced by aspartic acid, an amino acid with similar properties. This amino acid position is conserved. In addition, this alteration is predicted to be deleterious by in silico analysis. Based on the available evidence, the clinical significance of this variant remains unclear.

NM_080732.4(EGLN2):c.746G>A (p.Gly249Asp)

Genes: EGLN2 (egl-9 family hypoxia inducible factor 2; plus strand), RAB4B-EGLN2 (RAB4B-EGLN2 readthrough (NMD candidate); plus strand). Cytogenetic location: 19q13.2.
Variant type: single nucleotide variant.
Coding change: c.746G>A on transcript NM_080732.4 (MANE Select); coding-DNA position 746, G replaced by A.
Protein change: p.Gly249Asp; replaces glycine 249 with aspartic acid.
Molecular consequence: missense variant. On other transcripts: non-coding transcript variant (1).
Genome position (GRCh38, 1-based): chr19:40,801,318, G>A. VCF-style: chr19-40801318-G-A. GRCh37 (hg19) VCF-style: chr19-41307223-G-A.
Other names: c.746G>A, p.Gly249Asp (NM_053046.4); short protein forms G249D.
Identifiers: ClinVar variation 3274835 (VCV003274835.1).